The following is an entry in ClinVar:

ClinVar aggregate classification (germline): Uncertain significance. Review status: criteria provided, multiple submitters, no conflicts (2 of 4 stars). 2 submissions from 2 submitters: Uncertain significance (2). Last evaluated 2025-09-19.

Conditions:
Hereditary cancer-predisposing syndrome. Also called: Hereditary neoplastic syndrome; Neoplastic Syndromes, Hereditary; Hereditary Cancer Syndrome; Tumor predisposition. Identifiers: Orphanet 140162, MedGen C0027672, MeSH D009386, MONDO:0015356.
Retinoblastoma (RB1). Also called: RETINOBLASTOMA, SOMATIC. Identifiers: Orphanet 790, MedGen C0035335, MeSH D012175, MONDO:0008380, OMIM 180200, HP:0009919. Disease mechanism: loss of function. Inheritance: Both sporadic and heritable forms are tested..

Allele frequency attached by ClinVar (database versions not stated): gnomAD exomes below 0.00001.
gnomAD v4.1: 2 of 1,597,466 alleles (0.00013%); highest among the groups gnomAD compares: South Asian, 0.0011%; no homozygotes.

Submissions (2):

Ambry Genetics
Classification: Uncertain significance for Hereditary cancer-predisposing syndrome. Last evaluated: 2025-09-19. Review status: criteria provided, single submitter. Criteria: Ambry Variant Classification Scheme 2023. Collection method: clinical testing. Allele origin: germline.
Comment: The p.K745E variant (also known as c.2233A>G), located in coding exon 22 of the RB1 gene, results from an A to G substitution at nucleotide position 2233. The lysine at codon 745 is replaced by glutamic acid, an amino acid with similar properties. This amino acid position is conserved. In addition, this alteration is predicted to be tolerated by in silico analysis. Based on the available evidence, the clinical significance of this variant remains unclear.

Labcorp Genetics (formerly Invitae), Labcorp
Classification: Uncertain significance for Retinoblastoma. Last evaluated: 2023-12-23. Review status: criteria provided, single submitter. Criteria: Invitae Variant Classification Sherloc (09022015). Collection method: clinical testing. Allele origin: germline.
Comment: This sequence change replaces lysine, which is basic and polar, with glutamic acid, which is acidic and polar, at codon 745 of the RB1 protein (p.Lys745Glu). This variant is not present in population databases (gnomAD no frequency). This variant has not been reported in the literature in individuals affected with RB1-related conditions. Advanced modeling of protein sequence and biophysical properties (such as structural, functional, and spatial information, amino acid conservation, physicochemical variation, residue mobility, and thermodynamic stability) performed at Invitae indicates that this missense variant is not expected to disrupt RB1 protein function with a negative predictive value of 80%. In summary, the available evidence is currently insufficient to determine the role of this variant in disease. Therefore, it has been classified as a Variant of Uncertain Significance.

NM_000321.3(RB1):c.2233A>G (p.Lys745Glu)

Gene: RB1 (RB transcriptional corepressor 1; plus strand). Cytogenetic location: 13q14.2.
Variant type: single nucleotide variant.
Coding change: c.2233A>G on transcript NM_000321.3 (MANE Select); coding-DNA position 2233, A replaced by G.
Protein change: p.Lys745Glu; replaces lysine 745 with glutamic acid.
Molecular consequence: missense variant.
Genome position (GRCh38, 1-based): chr13:48,465,019, A>G. VCF-style: chr13-48465019-A-G. GRCh37 (hg19) VCF-style: chr13-49039155-A-G.
Other names: c.2233A>G, p.Lys745Glu (NM_001407165.1); short protein forms K745E.
Identifiers: ClinVar variation 2705137 (VCV002705137.4), dbSNP rs2138344603, ClinGen allele CA388167521.